The following is an entry in ClinVar:

NM_001148.6(ANK2):c.7132G>A (p.Glu2378Lys)

Genes: ANK2 (ankyrin 2; plus strand), LOC126807137 (CDK7 strongly-dependent group 2 enhancer GRCh37_chr4:114276560-114277759; plus strand). Cytogenetic location: 4q26.
Variant type: single nucleotide variant.
Coding change: c.7132G>A on transcript NM_001148.6 (MANE Select); coding-DNA position 7132, G replaced by A.
Protein change: p.Glu2378Lys; replaces glutamic acid 2378 with lysine.
Molecular consequence: missense variant. On other transcripts: intron variant (68).
Genome position (GRCh38, 1-based): chr4:113,355,750, G>A. VCF-style: chr4-113355750-G-A. GRCh37 (hg19) VCF-style: chr4-114276906-G-A.
Other names: c.6898G>A, p.Glu2300Lys (NM_001386142.1); c.3532G>A, p.Glu1178Lys (NM_001386166.1); c.7273G>A, p.Glu2425Lys (NM_001386174.1); c.7249G>A, p.Glu2417Lys (NM_001386175.1); c.4412-5073G>A (NM_001386186.2, NM_001386148.2); c.4214-5073G>A (NM_001354269.3); c.4292-5073G>A (NM_001386187.2); c.4253-5073G>A (NM_001386147.1); and 36 more; short protein forms E2378K, E1178K, E2300K, E2417K, E2425K.
Identifiers: ClinVar variation 188143 (VCV000188143.52), dbSNP rs141191319, ClinGen allele CA236944.
Genomic context (GRCh38, chr4:113,355,750, plus strand): 5'-AGTTCAGCCCACAAGACACAAACTGATAGTGAGGTTCAAGAATCCACAGCCACCTCAGAC[G>A]AGACAAAGGCCTTGCCGCTGCCTGAGGCTTCTGTAAAGACAGATACAGGAACTGAATCAA-3'
Protein context (NP_001139.3, residues 2368-2388): EVQESTATSD[Glu2378Lys]TKALPLPEAS

ClinVar aggregate classification (germline): Conflicting classifications of pathogenicity. Review status: criteria provided, conflicting classifications (1 of 4 stars). 13 submissions from 13 submitters: Uncertain significance (1); Benign (3); Likely benign (7). 2 of the submissions do not count toward it. Last evaluated 2026-09-01.

Conditions:
Cardiovascular phenotype. Identifiers: MedGen CN230736.
Brugada syndrome. Also called: Sudden unexplained nocturnal death syndrome; Sudden unexpected nocturnal death syndrome; Sudden Unexplained Death Syndrome; Sudden Unexplained Nocturnal Death Syndrome (SUNDS). Identifiers: Orphanet 130, MedGen C1142166, MONDO:0015263.
Long QT syndrome (LQTS). Identifiers: MedGen C0023976, MeSH D008133, MONDO:0002442. Disease mechanism: loss of function. Inheritance: Various modes of inheritance.
Cardiac arrhythmia, ankyrin-B-related. Also called: ANKYRIN-B SYNDROME. Identifiers: Orphanet 101016, Orphanet 768, MedGen C1970119, MONDO:0010958, OMIM 600919.

Allele frequency attached by ClinVar (database versions not stated): 1000 Genomes Project 30x 0.00078; 1000 Genomes Project 0.00080; TOPMed 0.00196; gnomAD 0.00198 and 0.00222; gnomAD exomes 0.00230 and 0.00306; ESP Exome Variant Server 0.00238; ExAC 0.00261.
gnomAD v4.1: 4,733 of 1,614,086 alleles (0.29%); highest among the groups gnomAD compares: Middle Eastern, 0.84%; 14 homozygotes.

Submissions (13):

CeGaT Center for Human Genetics Tuebingen
Classification: Likely benign. Last evaluated: 2026-09-01. Review status: criteria provided, single submitter. Criteria: CeGaT Center For Human Genetics Tuebingen Variant Classification Criteria Version 2. Collection method: clinical testing. Allele origin: germline. Affected: yes. Observed: 9 variant alleles.
Comment: ANK2: BP4, BS1

Labcorp Genetics (formerly Invitae), Labcorp
Classification: Benign for Long QT syndrome. Last evaluated: 2026-02-03. Review status: criteria provided, single submitter. Criteria: Invitae Variant Classification Sherloc (09022015). Collection method: clinical testing. Allele origin: germline.

Molecular Diagnostic Laboratory for Inherited Cardiovascular Disease, Montreal Heart Institute
Classification: Likely benign. Last evaluated: 2025-04-09. Review status: criteria provided, single submitter. Criteria: ACMG Guidelines, 2015. Collection method: clinical testing. Allele origin: germline. Affected: no.

Blueprint Genetics
Classification: Likely benign. Last evaluated: 2024-11-22. Review status: criteria provided, single submitter. Criteria: ACMG Guidelines, 2015. Collection method: clinical testing. Allele origin: germline.

GeneDx
Classification: Likely benign. Last evaluated: 2020-11-10. Review status: criteria provided, single submitter. Criteria: GeneDx Variant Classification Process June 2021. Collection method: clinical testing. Allele origin: germline. Affected: yes.
Comment: This variant is associated with the following publications: (PMID: 26230511, 23861362, 23396983, 28465117)

Women's Health and Genetics/Laboratory Corporation of America, LabCorp
Classification: Benign. Last evaluated: 2020-07-06. Review status: criteria provided, single submitter. Criteria: LabCorp Variant Classification Summary - May 2015. Collection method: clinical testing. Allele origin: germline.
Comment: Variant summary: ANK2 c.7132G>A (p.Glu2378Lys) results in a conservative amino acid change in the encoded protein sequence. Five of five in-silico tools predict a benign effect of the variant on protein function. The variant allele was found at a frequency of 0.0023 in 250666 control chromosomes in the gnomAD database, including 1 homozygote. The observed variant frequency is approximately 230-fold of the estimated maximal expected allele frequency for a pathogenic variant in ANK2 causing Arrhythmia phenotype (1e-05), strongly suggesting that the variant is benign. To our knowledge, no occurrence of c.7132G>A in individuals affected with Arrhythmia and no experimental evidence demonstrating its impact on protein function have been reported. Five clinical diagnostic laboratories have submitted clinical-significance assessments for this variant to ClinVar after 2014 without evidence for independent evaluation, and classified the variant as benign (2x), likely benign (2x) or VUS. Based on the evidence outlined above, the variant was classified as benign.

Ambry Genetics
Classification: Benign for Cardiovascular phenotype. Last evaluated: 2018-04-24. Review status: criteria provided, single submitter. Criteria: Ambry Variant Classification Scheme 2023. Collection method: clinical testing. Allele origin: germline.

Center for Advanced Laboratory Medicine, UC San Diego Health, University of California San Diego
Classification: Likely benign for Brugada syndrome. Last evaluated: 2018-02-27. Review status: criteria provided, single submitter. Criteria: ACMG Guidelines, 2015. Collection method: clinical testing. Allele origin: germline. Affected: yes. Observed: 1 variant allele.

Illumina Laboratory Services, Illumina
Classification: Uncertain significance for Cardiac arrhythmia, ankyrin-B-related. Last evaluated: 2017-04-27. Review status: criteria provided, single submitter. Criteria: ICSL Variant Classification Criteria 13 December 2019. Collection method: clinical testing. Allele origin: germline.
Comment: This variant was observed as part of a predisposition screen in an ostensibly healthy population. A literature search was performed for the gene, cDNA change, and amino acid change (where applicable). Publications were found based on this search. However, the evidence from the literature, in combination with allele frequency data from public databases where available, was not sufficient to rule this variant in or out of causing disease. Therefore, this variant is classified as a variant of unknown significance.

Genome Diagnostics Laboratory, University Medical Center Utrecht
Classification: Likely benign for Cardiac arrhythmia, ankyrin-B-related. Last evaluated: 2014-10-09. Review status: criteria provided, single submitter. Criteria: ACGS Guidelines, 2013. Collection method: clinical testing. Allele origin: germline. Affected: yes. Study: VKGL Data-share Consensus.

Biesecker Lab/Clinical Genomics Section, National Institutes of Health
Classification: Likely benign. Last evaluated: 2013-06-24. Review status: criteria provided, single submitter. Criteria: Ng et al. (Circ Cardiovasc Genet. 2013). Collection method: research. Allele origin: unknown. Observed: 8 variant alleles. Study: ClinSeq.
Comment: The study set was not selected for affection status in relation to any cancer. Pathogenicity categories were based on literature curation. See Pubmed ID:23861362 for details.

Medical sequencing

Clinical Genetics, Academic Medical Center
Classification: Benign. Review status: no assertion criteria provided. Collection method: clinical testing. Allele origin: germline. Affected: yes. Study: VKGL Data-share Consensus. Not counted in ClinVar's aggregate classification.

Joint Genome Diagnostic Labs from Nijmegen and Maastricht, Radboudumc and MUMC+
Classification: Likely benign. Review status: no assertion criteria provided. Collection method: clinical testing. Allele origin: germline. Affected: yes. Study: VKGL Data-share Consensus. Not counted in ClinVar's aggregate classification.

Literature cited by the submitters: PubMed 26230511 (cited by Women's Health and Genetics/Laboratory Corporation of America, LabCorp and Illumina Laboratory Services, Illumina); PubMed 23861362 (cited by Ambry Genetics).